The following is an entry in ClinVar:

ClinVar aggregate classification (germline): Pathogenic/Likely pathogenic. Review status: criteria provided, multiple submitters, no conflicts (2 of 4 stars). 13 submissions from 13 submitters: Pathogenic (9); Likely pathogenic (2). 2 of the submissions do not count toward it. Last evaluated 2025-06-16.

Conditions:
Inborn genetic diseases. Identifiers: MedGen C0950123, MeSH D030342.
Neurodevelopmental disorder with epilepsy, cataracts, feeding difficulties, and delayed brain myelination (NECFM). Identifiers: Orphanet 500545, MedGen C4479333, MONDO:0044306, OMIM 617393.
NACC1-related disorder. Also called: NACC1-related condition.

Allele frequency attached by ClinVar (database versions not stated): TOPMed below 0.00001.

Submissions (13):

Institute of Human Genetics Munich, TUM University Hospital
Classification: Pathogenic for Neurodevelopmental disorder with epilepsy, cataracts, feeding difficulties, and delayed brain myelination. Last evaluated: 2025-06-16. Review status: criteria provided, single submitter. Criteria: Classification criteria August 2017. Collection method: clinical testing. Allele origin: de novo. Inheritance: Autosomal dominant inheritance. Affected: yes. Observed: 1 variant allele.

Labcorp Genetics (formerly Invitae), Labcorp
Classification: Pathogenic. Last evaluated: 2024-04-10. Review status: criteria provided, single submitter. Criteria: Invitae Variant Classification Sherloc (09022015). Collection method: clinical testing. Allele origin: germline.
Comment: This sequence change replaces arginine, which is basic and polar, with tryptophan, which is neutral and slightly polar, at codon 298 of the NACC1 protein (p.Arg298Trp). This variant is not present in population databases (gnomAD no frequency). This missense change has been observed in individual(s) with infantile epilepsy, cataracts, and profound developmental delay (PMID: 28132692). In at least one individual the variant was observed to be de novo. ClinVar contains an entry for this variant (Variation ID: 417784). Advanced modeling of protein sequence and biophysical properties (such as structural, functional, and spatial information, amino acid conservation, physicochemical variation, residue mobility, and thermodynamic stability) performed at Invitae indicates that this missense variant is not expected to disrupt NACC1 protein function with a negative predictive value of 80%. For these reasons, this variant has been classified as Pathogenic.

3billion
Classification: Pathogenic for Neurodevelopmental disorder with epilepsy, cataracts, feeding difficulties, and delayed brain myelination. Last evaluated: 2024-01-18. Review status: criteria provided, single submitter. Criteria: ACMG Guidelines, 2015. Collection method: clinical testing. Allele origin: germline. Affected: yes.
Comment: The variant is not observed in the gnomAD v2.1.1 dataset. Predicted Consequence/Location: Missense changes are a common disease-causing mechanism. In silico tool predictions suggest damaging effect of the variant on gene or gene product [REVEL: 0.36 (>=0.6, sensitivity 0.68 and specificity 0.92); 3Cnet: 0.82 (>=0.6, sensitivity 0.72 and precision 0.9)]. Same nucleotide change resulting in same amino acid change has been previously reported as pathogenic/likely pathogenic with strong evidence (ClinVar ID: VCV000417784 /PMID: 28132692 /3billion dataset). The variant has been previously reported as de novo in a similarly affected individual (PMID: 28132692). The variant has been observed in multiple (>3) similarly affected unrelated individuals (PMID: 28132692). The variant has been previously reported as assumed (i.e. paternity and maternity not confirmed) de novo in at least one similarly affected unrelated individual (3billion dataset). Therefore, this variant is classified as Pathogenic according to the recommendation of ACMG/AMP guideline.

Revvity Omics, Revvity
Classification: Pathogenic for Neurodevelopmental disorder with epilepsy, cataracts, feeding difficulties, and delayed brain myelination. Last evaluated: 2023-06-29. Review status: criteria provided, single submitter. Criteria: ACMG Guidelines, 2015. Collection method: clinical testing. Allele origin: germline.

Undiagnosed Diseases Network, NIH
Classification: Pathogenic for Neurodevelopmental disorder with epilepsy, cataracts, feeding difficulties, and delayed brain myelination. Last evaluated: 2023-05-11. Review status: criteria provided, single submitter. Criteria: ACMG Guidelines, 2015. Collection method: clinical testing. Allele origin: de novo, unknown. Inheritance: Autosomal dominant inheritance. Affected: yes. Observed: 2 variant alleles. Study: Undiagnosed Diseases Network (NIH), UDN.

GeneDx
Classification: Pathogenic. Last evaluated: 2023-02-14. Review status: criteria provided, single submitter. Criteria: GeneDx Variant Classification Process June 2021. Collection method: clinical testing. Allele origin: germline. Affected: yes.
Comment: In silico analysis, which includes protein predictors and evolutionary conservation, supports a deleterious effect; Not observed in large population cohorts (gnomAD); This variant is associated with the following publications: (PMID: 31231135, 31628766, 30842647, 31036916, 31216405, 28132692, 34869110)

Baylor Genetics
Classification: Pathogenic for Neurodevelopmental disorder with epilepsy, cataracts, feeding difficulties, and delayed brain myelination. Last evaluated: 2022-12-28. Review status: criteria provided, single submitter. Criteria: ACMG Guidelines, 2015. Collection method: clinical testing. Allele origin: unknown.

New York Genome Center
Classification: Likely pathogenic for Neurodevelopmental disorder with epilepsy, cataracts, feeding difficulties, and delayed brain myelination. Last evaluated: 2021-05-21. Review status: criteria provided, single submitter. Criteria: NYGC Assertion Criteria 2020. Collection method: clinical testing. Allele origin: germline. Observed: 1 heterozygote. Study: CSER-NYCKidSeq.
Comment: The c.892C>T (p.Arg298Trp) variant identified in the NACC1 gene substitutes a well conserved Arginine for Tryptophan at amino acid 298/528 (exon2/6). This variant is absent from gnomAD(v3.1.1) suggesting it is not a common benign variant in the populations represented in that database. In silico algorithms predict this variant to be Damaging (SIFT; score:0.027) and Benign (REVEL; score:0.3639) to the function of the canonical transcript. This variant is reported as Likely Pathogenic / Pathogenic in ClinVar (VarID:417784) and has been identified in many affected individuals in the literature [PMID:28132692; PMID:30842647]. Given its presence in many affected individuals in the literature and its absence in population databases, the c.892C>T (p.Arg298Trp) variant identified in the NACC1 gene is reported as Likely Pathogenic.

Blueprint Genetics
Classification: Pathogenic for NACC1-related disorders. Last evaluated: 2020-12-11. Review status: criteria provided, single submitter. Criteria: ACMG Guidelines, 2015. Collection method: clinical testing. Allele origin: de novo. Affected: yes. Observed: 2 variant alleles.

Institute of Medical Genetics and Applied Genomics, University Hospital Tübingen
Classification: Pathogenic. Last evaluated: 2020-10-23. Review status: criteria provided, single submitter. Criteria: ACMG Guidelines, 2015. Collection method: clinical testing. Allele origin: germline. Inheritance: Autosomal dominant inheritance. Affected: yes.

Ambry Genetics
Classification: Likely pathogenic for Inborn genetic diseases. Last evaluated: 2017-06-07. Review status: criteria provided, single submitter. Criteria: Ambry exome assertion method (8-5-2015). Collection method: clinical testing. Allele origin: germline. Affected: yes. Observed: 1 variant allele.

Solve-RD Consortium
Classification: Likely pathogenic for Neurodevelopmental disorder with epilepsy, cataracts, feeding difficulties, and delayed brain myelination. Last evaluated: 2022-06-01. Review status: no assertion criteria provided. Collection method: provider interpretation. Allele origin: inherited. Affected: yes. Not counted in ClinVar's aggregate classification.
Comment: Variant confirmed as disease-causing by referring clinical team

Variant identified during reanalysis of unsolved cases by the Solve-RD project. The Solve-RD project has received funding from the European Union’s Horizon 2020 research and innovation programme under grant agreement No 779257.

OMIM
Classification: Pathogenic for NEURODEVELOPMENTAL DISORDER WITH EPILEPSY, CATARACTS, FEEDING DIFFICULTIES, AND DELAYED BRAIN MYELINATION. Last evaluated: 2017-03-28. Review status: no assertion criteria provided. Collection method: literature only. Allele origin: germline. Not counted in ClinVar's aggregate classification.

Literature cited by the submitters: PubMed 28132692 (cited by 5 submitters); PubMed 39825153 (cited by Solve-RD Consortium).

NM_052876.4(NACC1):c.892C>T (p.Arg298Trp)

Gene: NACC1 (nucleus accumbens associated 1; plus strand). Cytogenetic location: 19p13.13.
Variant type: single nucleotide variant.
Coding change: c.892C>T on transcript NM_052876.4 (MANE Select); coding-DNA position 892, C replaced by T.
Protein change: p.Arg298Trp; replaces arginine 298 with tryptophan.
Molecular consequence: missense variant.
Genome position (GRCh38, 1-based): chr19:13,136,099, C>T. VCF-style: chr19-13136099-C-T. GRCh37 (hg19) VCF-style: chr19-13246913-C-T.
Other names: short protein forms R298W.
Identifiers: ClinVar variation 417784 (VCV000417784.32), dbSNP rs1060505041, ClinGen allele CA16616876.